The following is an entry in ClinVar:

NM_005726.6(TSFM):c.571+1G>C

Gene: TSFM (Ts translation elongation factor, mitochondrial; plus strand). Cytogenetic location: 12q14.1.
Variant type: single nucleotide variant.
Coding change: c.571+1G>C on transcript NM_005726.6 (MANE Select); the canonical splice donor site of the intron after coding-DNA position 571, G replaced by C.
Molecular consequence: splice donor variant. On other transcripts: intron variant (1).
Genome position (GRCh38, 1-based): chr12:57,793,074, G>C. VCF-style: chr12-57793074-G-C. GRCh37 (hg19) VCF-style: chr12-58186857-G-C.
Other names: c.571+1G>C (NM_001172697.2); c.634+1G>C (NM_001172696.2, NM_001172696.1); c.484-3103G>C (NM_001172695.2).
Identifiers: ClinVar variation 1395995 (VCV001395995.8), dbSNP rs750371292, ClinGen allele CA6659399.
Genomic context (GRCh38, chr12:57,793,074, plus strand): 5'-GACTTCCAGCTGGGCCTGACAGAGAAGGCTCACTCAAGGATCAGTTGGCTTTAGCAATTG[G>C]TGAGTATTTGTAAAGGTTCTGGAAACTGGAAATTAGGGACTGGATCTCTTGTTATCTTGT-3'

ClinVar aggregate classification (germline): Pathogenic/Likely pathogenic. Review status: criteria provided, multiple submitters, no conflicts (2 of 4 stars). 3 submissions from 3 submitters: Pathogenic (1); Likely pathogenic (2). Last evaluated 2025-06-17.

Conditions:
Fatal mitochondrial disease due to combined oxidative phosphorylation defect type 3. Also called: Combined oxidative phosphorylation deficiency 3; ENCEPHALOMYOPATHY, RESPIRATORY FAILURE, AND LACTIC ACIDOSIS. Identifiers: Orphanet 168566, MedGen C1864840, MONDO:0012512, OMIM 610505.

Allele frequency attached by ClinVar (database versions not stated): TOPMed below 0.00001; ExAC 0.00001; gnomAD exomes 0.00001.
gnomAD v4.1: 2 of 1,612,528 alleles (0.00012%); highest among the groups gnomAD compares: East Asian, 0.0022%; no homozygotes.

Submissions (3):

Natera, Inc.
Classification: Likely pathogenic for Combined oxidative phosphorylation deficiency 3. Last evaluated: 2025-06-17. Review status: criteria provided, single submitter. Criteria: Natera Variant Classification Schema (03/2026). Collection method: clinical testing. Allele origin: germline.
Comment: The c.634+1G>C variant in TSFM is a canonical splice donor site variant predicted to affect pre-mRNA splicing, which may result in an abnormal transcript and altered protein product. This variant is expected to result in nonsense mediated decay, truncation, or a dysfunctional protein product. This variant is rare in the general population with a frequency below the threshold expected for the associated phenotype(s). Given the available evidence, this variant is classified as Likely Pathogenic.

Labcorp Genetics (formerly Invitae), Labcorp
Classification: Pathogenic. Last evaluated: 2025-04-23. Review status: criteria provided, single submitter. Criteria: Invitae Variant Classification Sherloc (09022015). Collection method: clinical testing. Allele origin: germline.
Comment: This sequence change affects a donor splice site in intron 6 of the TSFM gene. While this variant is not anticipated to result in nonsense mediated decay, it likely alters RNA splicing and results in a disrupted protein product. This variant is present in population databases (rs750371292, gnomAD 0.01%). This variant has not been reported in the literature in individuals affected with TSFM-related conditions. ClinVar contains an entry for this variant (Variation ID: 1395995). Variants that disrupt the consensus splice site are a relatively common cause of aberrant splicing (PMID: 17576681, 9536098). Algorithms developed to predict the effect of sequence changes on RNA splicing suggest that this variant may disrupt the consensus splice site. This variant disrupts a region of the TSFM protein in which other variant(s) (p.Gln324Argfs*11) have been determined to be pathogenic (internal data). This suggests that this is a clinically significant region of the protein, and that variants that disrupt it are likely to be disease-causing. For these reasons, this variant has been classified as Pathogenic.

Baylor Genetics
Classification: Likely pathogenic for Fatal mitochondrial disease due to combined oxidative phosphorylation defect type 3. Last evaluated: 2023-07-11. Review status: criteria provided, single submitter. Criteria: ACMG Guidelines, 2015. Collection method: clinical testing. Allele origin: unknown.

Literature cited by the submitters: PubMed 17576681 (cited by Labcorp Genetics (formerly Invitae), Labcorp); PubMed 9536098 (cited by Labcorp Genetics (formerly Invitae), Labcorp).